The following is an entry in ClinVar:

ClinVar aggregate classification (germline): Uncertain significance (1 of 4 stars; one submission).

Allele frequency attached by ClinVar (database versions not stated): gnomAD 0.00001; ExAC 0.00009; 1000 Genomes Project 30x 0.00016; 1000 Genomes Project 0.00020.
gnomAD v4.1: 59 of 1,614,002 alleles (0.0037%); highest among the groups gnomAD compares: South Asian, 0.047%; no homozygotes.

Submission:

Labcorp Genetics (formerly Invitae), Labcorp
Classification: Uncertain significance. Last evaluated: 2024-08-15. Review status: criteria provided, single submitter. Criteria: Invitae Variant Classification Sherloc (09022015). Collection method: clinical testing. Allele origin: germline.
Comment: This sequence change replaces tyrosine, which is neutral and polar, with cysteine, which is neutral and slightly polar, at codon 1460 of the LRP6 protein (p.Tyr1460Cys). This variant is present in population databases (rs555746396, gnomAD 0.06%), and has an allele count higher than expected for a pathogenic variant. This variant has not been reported in the literature in individuals affected with LRP6-related conditions. ClinVar contains an entry for this variant (Variation ID: 2200983). An algorithm developed to predict the effect of missense changes on protein structure and function (PolyPhen-2) suggests that this variant is likely to be disruptive. In summary, the available evidence is currently insufficient to determine the role of this variant in disease. Therefore, it has been classified as a Variant of Uncertain Significance.

NM_002336.3(LRP6):c.4379A>G (p.Tyr1460Cys)

Gene: LRP6 (LDL receptor related protein 6; minus strand). Cytogenetic location: 12p13.2.
Variant type: single nucleotide variant.
Coding change: c.4379A>G on transcript NM_002336.3 (MANE Select); coding-DNA position 4379, A replaced by G.
Protein change: p.Tyr1460Cys; replaces tyrosine 1460 with cysteine.
Molecular consequence: missense variant.
Genome position (GRCh38, 1-based): chr12:12,125,366, T>C on the plus strand (A>G on the coding strand, the complement: LRP6 is on the minus strand). VCF-style: chr12-12125366-T-C. GRCh37 (hg19) VCF-style: chr12-12278300-T-C.
Other names: c.4472A>G, p.Tyr1491Cys (NM_001414244.1); c.4379A>G, p.Tyr1460Cys (NM_001414245.1, NM_001414248.1, NM_001414249.1 and 1 more transcripts); c.4244A>G, p.Tyr1415Cys (NM_001414246.1); c.4181A>G, p.Tyr1394Cys (NM_001414247.1); c.4016A>G, p.Tyr1339Cys (NM_001414251.1); c.3926A>G, p.Tyr1309Cys (NM_001414252.1, NM_001414253.1, NM_001414254.1); c.3872A>G, p.Tyr1291Cys (NM_001414255.1); short protein forms Y1339C, Y1491C, Y1460C, Y1309C, Y1291C, Y1394C, Y1415C.
Identifiers: ClinVar variation 2200983 (VCV002200983.4), dbSNP rs555746396, ClinGen allele CA6454966.